The following is an entry in ClinVar:

NM_001114753.3(ENG):c.587G>A (p.Trp196Ter)

Gene: ENG (endoglin; minus strand). Cytogenetic location: 9q34.11.
Variant type: single nucleotide variant.
Coding change: c.587G>A on transcript NM_001114753.3 (MANE Select); coding-DNA position 587, G replaced by A.
Protein change: p.Trp196Ter; replaces tryptophan 196 with a stop codon.
Molecular consequence: nonsense.
Genome position (GRCh38, 1-based): chr9:127,825,797, C>T on the plus strand (G>A on the coding strand, the complement: ENG is on the minus strand). VCF-style: chr9-127825797-C-T. GRCh37 (hg19) VCF-style: chr9-130588076-C-T.
Other names: c.587G>A (NM_000118.2); c.587G>A, p.Trp196Ter (NM_000118.4, NM_001406715.1); c.41G>A, p.Trp14Ter (NM_001278138.2); short protein forms W196*, W14*.
Identifiers: ClinVar variation 654257 (VCV000654257.14), dbSNP rs1588582870, ClinGen allele CA374983677.
Genomic context (GRCh38, chr9:127,825,797, plus strand): 5'-TTGTGGCCGGCCACGCCTTCCAAGTGGCAGCCCCGGACCAAGGCTGGAGTACGCGGCCGC[C>T]ACTCGAGCGTGCGGCCCATGTCCTGGCTGGCTTCCAGCATGCAGAAGGACAGTGACCCCT-3'

ClinVar aggregate classification (germline): Pathogenic. Review status: criteria provided, multiple submitters, no conflicts (2 of 4 stars). 4 submissions from 4 submitters: Pathogenic (3). 1 of the submissions does not count toward it. Last evaluated 2024-11-12.

Conditions:
Hereditary hemorrhagic telangiectasia (HHT). Also called: ORW DISEASE; Osler Weber Rendu syndrome; OSLER-RENDU-WEBER DISEASE; Osler hemorrhagic telangiectasia syndrome. Identifiers: Orphanet 774, MedGen C0039445, MONDO:0019180. Disease mechanism: loss of function.
Cardiovascular phenotype. Identifiers: MedGen CN230736.
ENG-related disorder. Also called: ENG-related condition; ENG-related disorders.

Submissions (4):

Labcorp Genetics (formerly Invitae), Labcorp
Classification: Pathogenic for Hereditary hemorrhagic telangiectasia. Last evaluated: 2024-11-12. Review status: criteria provided, single submitter. Criteria: Invitae Variant Classification Sherloc (09022015). Collection method: clinical testing. Allele origin: germline.
Comment: This sequence change creates a premature translational stop signal (p.Trp196*) in the ENG gene. It is expected to result in an absent or disrupted protein product. Loss-of-function variants in ENG are known to be pathogenic (PMID: 15879500). This variant is not present in population databases (gnomAD no frequency). This premature translational stop signal has been observed in individuals with hereditary hemorrhagic telangiectasia (PMID: 8595426, 10625079). ClinVar contains an entry for this variant (Variation ID: 654257). For these reasons, this variant has been classified as Pathogenic.

GeneDx
Classification: Pathogenic. Last evaluated: 2024-01-24. Review status: criteria provided, single submitter. Criteria: GeneDx Variant Classification Process June 2021. Collection method: clinical testing. Allele origin: germline. Affected: yes.
Comment: Nonsense variant predicted to result in protein truncation or nonsense mediated decay in a gene for which loss of function is a known mechanism of disease; Not observed at significant frequency in large population cohorts (gnomAD); This variant is associated with the following publications: (PMID: 25525159, 8595426, 10625079, 32300199)

Ambry Genetics
Classification: Pathogenic for Cardiovascular phenotype. Last evaluated: 2019-05-04. Review status: criteria provided, single submitter. Criteria: Ambry Variant Classification Scheme 2023. Collection method: clinical testing. Allele origin: germline.
Comment: The p.W196* pathogenic mutation (also known as c.587G>A), located in coding exon 5 of the ENG gene, results from a G to A substitution at nucleotide position 587. This changes the amino acid from a tryptophan to a stop codon within coding exon 5. This mutation was identified in two hereditary hemorrhagic families (McAllister KA et al. Hum. Mol. Genet., 1995 Oct;4:1983-5; Cymerman U et al. Pediatr. Res., 2000 Jan;47:24-35). In addition, one study demonstrated reduced mRNA ENG levels in an individual with this mutation (Letarte M et al. Cardiovasc. Res., 2005 Oct;68:155-64). In addition to the clinical data presented in the literature, this alteration is expected to result in loss of function by premature protein truncation or nonsense-mediated mRNA decay. As such, this alteration is interpreted as a disease-causing mutation.

PreventionGenetics, part of Exact Sciences
Classification: Pathogenic for ENG-related condition. Last evaluated: 2024-09-19. Review status: no assertion criteria provided. Collection method: clinical testing. Allele origin: germline. Not counted in ClinVar's aggregate classification.
Comment: The ENG c.587G>A variant is predicted to result in premature protein termination (p.Trp196*). This variant has been reported in individual with hereditary hemorrhagic telangiectasia (HHT) (McAllister et al. 1995. PubMed ID: 8595426; Table S1 in McDonald et al. 2020. PubMed ID: 32300199). This variant has not been reported in a large population database, indicating this variant is rare. Nonsense variants in ENG are expected to be pathogenic. This variant is interpreted as pathogenic.

Literature cited by the submitters: PubMed 15879500 (cited by Labcorp Genetics (formerly Invitae), Labcorp); PubMed 8595426 (cited by Labcorp Genetics (formerly Invitae), Labcorp and Ambry Genetics); PubMed 10625079 (cited by Labcorp Genetics (formerly Invitae), Labcorp and Ambry Genetics); PubMed 14972453 (cited by Ambry Genetics); PubMed 15907823 (cited by Ambry Genetics); PubMed 16611099 (cited by Ambry Genetics); PubMed 16752392 (cited by Ambry Genetics); PubMed 17576210 (cited by Ambry Genetics); PubMed 23801935 (cited by Ambry Genetics).